The following is an entry in ClinVar:

ClinVar aggregate classification (germline): Uncertain significance (1 of 4 stars; one submission).

Conditions:
Developmental and epileptic encephalopathy, 32 (DEE32). Also called: Epileptic encephalopathy, early infantile, 32. Identifiers: Orphanet 442835, MedGen C4225350, MONDO:0014607, OMIM 616366.

Submission:

Labcorp Genetics (formerly Invitae), Labcorp
Classification: Uncertain significance for Developmental and epileptic encephalopathy, 32. Last evaluated: 2024-06-11. Review status: criteria provided, single submitter. Criteria: Invitae Variant Classification Sherloc (09022015). Collection method: clinical testing. Allele origin: germline.
Comment: This sequence change creates a premature translational stop signal (p.Gly423Argfs*9) in the KCNA2 gene. While this is not anticipated to result in nonsense mediated decay, it is expected to disrupt the last 77 amino acid(s) of the KCNA2 protein. This variant is not present in population databases (gnomAD no frequency). This variant has not been reported in the literature in individuals affected with KCNA2-related conditions. This premature translational stop signal has been observed in at least one individual who was not affected with KCNA2-related conditions (Invitae). ClinVar contains an entry for this variant (Variation ID: 1386027). Experimental studies and prediction algorithms are not available or were not evaluated, and the functional significance of this variant is currently unknown. In summary, the available evidence is currently insufficient to determine the role of this variant in disease. Therefore, it has been classified as a Variant of Uncertain Significance.

NM_004974.4(KCNA2):c.1263_1266del (p.Gly423fs)

Gene: KCNA2 (potassium voltage-gated channel subfamily A member 2; minus strand). Cytogenetic location: 1p13.3.
Variant type: Deletion.
Coding change: c.1263_1266del on transcript NM_004974.4 (MANE Select); coding-DNA positions 1263 to 1266, 4 bases deleted (AGAG; older notation c.1263_1266delAGAG).
Protein change: p.Gly423fs; shifts the reading frame from glycine 423.
Molecular consequence: frameshift variant. On other transcripts: intron variant (1).
Genome position (GRCh38, 1-based): chr1:110,603,517-110,603,520, CTCT deleted on the plus strand (AGAG on the coding strand, the reverse complement: KCNA2 is on the minus strand). VCF-style (leftmost placement, unchanged base first): chr1-110603516-CCTCT-C. GRCh37 (hg19) VCF-style: chr1-111146138-CCTCT-C.
Other names: c.894+369_894+372del (NM_001204269.2); short protein forms G423fs.
Identifiers: ClinVar variation 1386027 (VCV001386027.6), dbSNP rs1649454214, ClinGen allele CA1188577383.